The following is an entry in ClinVar:

ClinVar aggregate classification (germline): Pathogenic (1 of 4 stars; one submission).

Conditions:
Nonsyndromic genetic hearing loss. Also called: Nonsyndromic hearing loss and deafness; Non-syndromic genetic deafness; Nonsyndromic genetic deafness. Identifiers: Orphanet 87884, MedGen C5680182, MONDO:0019497.

Submission:

Women's Health and Genetics/Laboratory Corporation of America, LabCorp
Classification: Pathogenic for Nonsyndromic genetic hearing loss. Last evaluated: 2026-01-02. Review status: criteria provided, single submitter. Criteria: LabCorp Variant Classification Summary - May 2015. Collection method: clinical testing. Allele origin: germline.
Comment: Variant summary: The variant involves the deletion of exons 1-13 in the STRC gene. A presumed nomenclature of c.(?_-79)_(3306+1_3307-1)del has been designated for the purposes of this classification. The exact breakpoint at the 5' end of this variant is unknown, therefore this deletion may extend upstream of the annotated region of this gene. Although the exact breakpoints of this deletion are not known, it is predicted to remove the initiation codon and result in an absence of protein or a truncation of the encoded protein due to translation initiation at a downstream site. Loss-of-function variants in this gene are known to be pathogenic. The variant was absent in 21682 control chromosomes. To our knowledge, no occurrence of c.(?_-79)_(3306+1_3307-1)del in individuals affected with STRC-related conditions and no experimental evidence demonstrating its impact on protein function have been reported. No submitters have cited clinical-significance assessments for this variant to ClinVar. Based on the evidence outlined above, the variant was classified as pathogenic.

NC_000015.9:g.(43903183_43903345)_(43910999_?)del

Gene: STRC (stereocilin; minus strand). Cytogenetic location: 15q15.3.
Variant type: Deletion.
Identifiers: ClinVar variation 4689704 (VCV004689704.1).